The following is an entry in ClinVar:

NM_031475.3(ESPN):c.1094C>T (p.Pro365Leu)

Gene: ESPN (espin; plus strand). Cytogenetic location: 1p36.31.
Variant type: single nucleotide variant.
Coding change: c.1094C>T on transcript NM_031475.3 (MANE Select); coding-DNA position 1094, C replaced by T.
Protein change: p.Pro365Leu; replaces proline 365 with leucine.
Molecular consequence: missense variant.
Genome position (GRCh38, 1-based): chr1:6,444,584, C>T. VCF-style: chr1-6444584-C-T. GRCh37 (hg19) VCF-style: chr1-6504644-C-T.
Other names: c.1094C>T, p.Pro365Leu (NM_001367473.1, NM_001367474.1); short protein forms P365L.
Identifiers: ClinVar variation 179446 (VCV000179446.6), dbSNP rs201251427, ClinGen allele CA184433.

ClinVar aggregate classification (germline): Uncertain significance. Review status: criteria provided, multiple submitters, no conflicts (2 of 4 stars). 3 submissions from 3 submitters: Uncertain significance (3). Last evaluated 2026-06-16.

Conditions:
ESPN-related disorder. Also called: ESPN-related condition.

Allele frequency attached by ClinVar (database versions not stated): TOPMed 0.00002; gnomAD 0.00003 and 0.00004; gnomAD exomes 0.00001; ExAC 0.00002.
gnomAD v4.1: 27 of 1,614,062 alleles (0.0017%); highest among the groups gnomAD compares: Non-Finnish European, 0.0019%; no homozygotes.

Submissions (3):

PreventionGenetics, part of Exact Sciences
Classification: Uncertain significance for ESPN-related condition. Last evaluated: 2026-06-16. Review status: criteria provided, single submitter. Criteria: ACMG Guidelines, 2015. Collection method: clinical testing. Allele origin: germline.
Comment: The ESPN c.1094C>T variant is predicted to result in the amino acid substitution p.Pro365Leu. To our knowledge, this variant has not been reported in the literature. This variant is reported in 0.0040% of alleles in individuals of African descent in gnomAD. At this time, the clinical significance of this variant is uncertain due to the absence of conclusive functional and genetic evidence.

Blueprint Genetics
Classification: Uncertain significance. Last evaluated: 2024-11-18. Review status: criteria provided, single submitter. Criteria: ACMG Guidelines, 2015. Collection method: clinical testing. Allele origin: germline.

Laboratory for Molecular Medicine, Mass General Brigham Personalized Medicine
Classification: Uncertain significance. Last evaluated: 2013-12-12. Review status: criteria provided, single submitter. Criteria: LMM Criteria. Collection method: clinical testing. Allele origin: germline. Observed: 1 variant allele.
Comment: The Pro365Leu variant in ESPN has not been reported in individuals with hearing loss but has been identified in 0.08% (1/1322) European chromosomes by the ClinS eq Project (dbSNP rs201251427). Computational analyses (amino acid properties, c onservation, AlignGVGD, PolyPhen2, SIFT) do not provide strong support for or ag ainst an impact to the protein. In summary, additional information is needed to determine the clinical significance of this variant.